The following is an entry in ClinVar:

NM_001292063.2(OTOG):c.4147C>T (p.Arg1383Cys)

Gene: OTOG (otogelin; plus strand). Cytogenetic location: 11p15.1.
Variant type: single nucleotide variant.
Coding change: c.4147C>T on transcript NM_001292063.2 (MANE Select); coding-DNA position 4147, C replaced by T.
Protein change: p.Arg1383Cys; replaces arginine 1383 with cysteine.
Molecular consequence: missense variant.
Genome position (GRCh38, 1-based): chr11:17,606,126, C>T. VCF-style: chr11-17606126-C-T. GRCh37 (hg19) VCF-style: chr11-17627673-C-T.
Other names: c.4183C>T, p.Arg1395Cys (NM_001277269.2); short protein forms R1395C, R1383C.
Identifiers: ClinVar variation 229091 (VCV000229091.13), dbSNP rs566689671, ClinGen allele CA5905806.
Genomic context (GRCh38, chr11:17,606,126, plus strand): 5'-GCGGTGCTGGCCCTGCGGCTGTACGAACACACAGAGGTGTTCCGCCGGGGCACACTCTTC[C>T]GCCTTCTGGGTAGGCGACCCCCTGCCATTGCCCTCGGCCCTTTGGCCCTCTCAGTCCACT-3'
Protein context (NP_001278992.1, residues 1373-1393): TEVFRRGTLF[Arg1383Cys]LLDAKPSGAA

ClinVar aggregate classification (germline): Uncertain significance. Review status: criteria provided, multiple submitters, no conflicts (2 of 4 stars). 4 submissions from 4 submitters: Uncertain significance (4). Last evaluated 2025-01-26.

Allele frequency attached by ClinVar (database versions not stated): gnomAD 0.00001 and 0.00003; TOPMed 0.00001; gnomAD exomes 0.00003 and 0.00004; ExAC 0.00010; 1000 Genomes Project 30x 0.00047; 1000 Genomes Project 0.00060.
gnomAD v4.1: 46 of 1,535,196 alleles (0.003%); highest among the groups gnomAD compares: South Asian, 0.029%; 1 homozygote.

Submissions (4):

GeneDx
Classification: Uncertain significance. Last evaluated: 2025-01-26. Review status: criteria provided, single submitter. Criteria: GeneDx Variant Classification Process June 2021. Collection method: clinical testing. Allele origin: germline. Affected: yes.
Comment: In silico analysis supports that this missense variant has a deleterious effect on protein structure/function; Has not been previously published as pathogenic or benign to our knowledge

Blueprint Genetics
Classification: Uncertain significance. Last evaluated: 2023-07-19. Review status: criteria provided, single submitter. Criteria: ACMG Guidelines, 2015. Collection method: clinical testing. Allele origin: germline.

Labcorp Genetics (formerly Invitae), Labcorp
Classification: Uncertain significance. Last evaluated: 2022-09-22. Review status: criteria provided, single submitter. Criteria: Invitae Variant Classification Sherloc (09022015). Collection method: clinical testing. Allele origin: germline.
Comment: In summary, the available evidence is currently insufficient to determine the role of this variant in disease. Therefore, it has been classified as a Variant of Uncertain Significance. Algorithms developed to predict the effect of missense changes on protein structure and function (SIFT, PolyPhen-2, Align-GVGD) all suggest that this variant is likely to be disruptive. ClinVar contains an entry for this variant (Variation ID: 229091). This variant has not been reported in the literature in individuals affected with OTOG-related conditions. This variant is present in population databases (rs566689671, gnomAD 0.02%). This sequence change replaces arginine, which is basic and polar, with cysteine, which is neutral and slightly polar, at codon 1395 of the OTOG protein (p.Arg1395Cys).

Laboratory for Molecular Medicine, Mass General Brigham Personalized Medicine
Classification: Uncertain significance. Last evaluated: 2015-11-23. Review status: criteria provided, single submitter. Criteria: LMM Criteria. Collection method: clinical testing. Allele origin: germline. Observed: 1 variant allele.
Comment: The p.Arg1395Cys variant in OTOG has not been previously reported in individuals with hearing loss. Data from large population studies is insufficient to assess the frequency of this variant. Computational prediction tools and conservation analysis do not provide strong support for or against an impact to the protein. In summary, the clinical significance of the p.Arg1395Cys variant is uncertain.